The following is an entry in ClinVar:

NM_006939.4(SOS2):c.3440C>T (p.Pro1147Leu)

Gene: SOS2 (SOS Ras/Rho guanine nucleotide exchange factor 2; minus strand). Cytogenetic location: 14q21.3.
Variant type: single nucleotide variant.
Coding change: c.3440C>T on transcript NM_006939.4 (MANE Select); coding-DNA position 3440, C replaced by T.
Protein change: p.Pro1147Leu; replaces proline 1147 with leucine.
Molecular consequence: missense variant.
Genome position (GRCh38, 1-based): chr14:50,120,324, G>A on the plus strand (C>T on the coding strand, the complement: SOS2 is on the minus strand). VCF-style: chr14-50120324-G-A. GRCh37 (hg19) VCF-style: chr14-50587042-G-A.
Other names: c.3341C>T, p.Pro1114Leu (NM_001411020.1); short protein forms P1147L, P1114L.
Identifiers: ClinVar variation 3650535 (VCV003650535.2).
Genomic context (GRCh38, chr14:50,120,324, plus strand): 5'-CTGTTGATTACCTTGGAATTTGAAGCATCATGATCAAACTTTTTTCGAGGAGGAAGAGGA[G>A]GAGGAATCAGGGGCTCTTCACTTAGTTTATGTAAACTACCACATGAACTAAAGAAAGACT-3'
Protein context (NP_008870.2, residues 1137-1157): HKLSEEPLIP[Pro1147Leu]PLPPRKKFDH

ClinVar aggregate classification (germline): Uncertain significance (1 of 4 stars; one submission).

Conditions:
Noonan syndrome 9 (NS9). Identifiers: Orphanet 648, MedGen C4225282, MONDO:0014691, OMIM 616559.

Submission:

Labcorp Genetics (formerly Invitae), Labcorp
Classification: Uncertain significance for Noonan syndrome 9. Last evaluated: 2024-04-22. Review status: criteria provided, single submitter. Criteria: Invitae Variant Classification Sherloc (09022015). Collection method: clinical testing. Allele origin: germline.
Comment: This sequence change replaces proline, which is neutral and non-polar, with leucine, which is neutral and non-polar, at codon 1147 of the SOS2 protein (p.Pro1147Leu). This variant is not present in population databases (gnomAD no frequency). This variant has not been reported in the literature in individuals affected with SOS2-related conditions. Advanced modeling of protein sequence and biophysical properties (such as structural, functional, and spatial information, amino acid conservation, physicochemical variation, residue mobility, and thermodynamic stability) performed at Invitae indicates that this missense variant is expected to disrupt SOS2 protein function with a positive predictive value of 80%. In summary, the available evidence is currently insufficient to determine the role of this variant in disease. Therefore, it has been classified as a Variant of Uncertain Significance.